The following is an entry in ClinVar:

NM_001375978.1(CHRM3):c.131G>A (p.Arg44Gln)

Gene: CHRM3 (cholinergic receptor muscarinic 3; plus strand). Cytogenetic location: 1q43.
Variant type: single nucleotide variant.
Coding change: c.131G>A on transcript NM_001375978.1 (MANE Select); coding-DNA position 131, G replaced by A.
Protein change: p.Arg44Gln; replaces arginine 44 with glutamine.
Molecular consequence: missense variant.
Genome position (GRCh38, 1-based): chr1:239,907,582, G>A. VCF-style: chr1-239907582-G-A. GRCh37 (hg19) VCF-style: chr1-240070882-G-A.
Other names: c.131G>A, p.Arg44Gln (NM_000740.4, NM_001347716.2, NM_001375979.1 and 6 more transcripts); c.131G>A (NM_000740.3); short protein forms R44Q.
Identifiers: ClinVar variation 1935123 (VCV001935123.6), dbSNP rs201425358, ClinGen allele CA1475730.

ClinVar aggregate classification (germline): Uncertain significance. Review status: criteria provided, multiple submitters, no conflicts (2 of 4 stars). 2 submissions from 2 submitters: Uncertain significance (2). Last evaluated 2025-08-15.

Conditions:
Prune belly syndrome. Also called: Prune belly. Identifiers: Orphanet 2970, MedGen C0033770, MONDO:0007032, OMIM 100100, HP:0004392.

Allele frequency attached by ClinVar (database versions not stated): ESP Exome Variant Server 0.00008; 1000 Genomes Project 30x 0.00031; 1000 Genomes Project 0.00040.
gnomAD v4.1: 76 of 1,614,098 alleles (0.0047%); highest among the groups gnomAD compares: South Asian, 0.046%; no homozygotes.

Submissions (2):

Labcorp Genetics (formerly Invitae), Labcorp
Classification: Uncertain significance. Last evaluated: 2025-08-15. Review status: criteria provided, single submitter. Criteria: Invitae Variant Classification Sherloc (09022015). Collection method: clinical testing. Allele origin: germline.
Comment: This sequence change replaces arginine, which is basic and polar, with glutamine, which is neutral and polar, at codon 44 of the CHRM3 protein (p.Arg44Gln). This variant is present in population databases (rs201425358, gnomAD 0.05%). This variant has not been reported in the literature in individuals affected with CHRM3-related conditions. ClinVar contains an entry for this variant (Variation ID: 1935123). An algorithm developed to predict the effect of missense changes on protein structure and function outputs the following: PolyPhen-2: "Benign". The glutamine amino acid residue is found in multiple mammalian species, which suggests that this missense change does not adversely affect protein function. In summary, the available evidence is currently insufficient to determine the role of this variant in disease. Therefore, it has been classified as a Variant of Uncertain Significance.

Fulgent Genetics
Classification: Uncertain significance for Prune belly syndrome. Last evaluated: 2024-06-24. Review status: criteria provided, single submitter. Criteria: ACMG Guidelines, 2015. Collection method: clinical testing. Allele origin: germline.